The following is an entry in ClinVar:

NM_003632.3(CNTNAP1):c.1887C>T (p.Asp629=)

Gene: CNTNAP1 (contactin associated protein 1; plus strand). Cytogenetic location: 17q21.2.
Variant type: single nucleotide variant.
Coding change: c.1887C>T on transcript NM_003632.3 (MANE Select); coding-DNA position 1887, C replaced by T.
Protein change: p.Asp629=; no amino-acid change (aspartic acid 629 retained).
Molecular consequence: synonymous variant.
Genome position (GRCh38, 1-based): chr17:42,690,770, C>T. VCF-style: chr17-42690770-C-T. GRCh37 (hg19) VCF-style: chr17-40842788-C-T.
Identifiers: ClinVar variation 4534079 (VCV004534079.6).

ClinVar aggregate classification (germline): Likely benign (1 of 4 stars; one submission).

gnomAD v4.1: 2 of 1,614,210 alleles (0.00012%); highest among the groups gnomAD compares: Non-Finnish European, 0.00017%; no homozygotes.

Submission:

CeGaT Center for Human Genetics Tuebingen
Classification: Likely benign. Last evaluated: 2025-11-01. Review status: criteria provided, single submitter. Criteria: CeGaT Center For Human Genetics Tuebingen Variant Classification Criteria Version 2. Collection method: clinical testing. Allele origin: germline. Affected: yes. Observed: 1 variant allele.
Comment: CNTNAP1: BP4